The following is an entry in ClinVar:

NM_014780.5(CUL7):c.4476del (p.Leu1493fs)

Gene: CUL7 (cullin 7; minus strand). Cytogenetic location: 6p21.1.
Variant type: Deletion.
Coding change: c.4476del on transcript NM_014780.5 (MANE Select); coding-DNA position 4476, one base deleted (G; older notation c.4476delG).
Protein change: p.Leu1493fs; shifts the reading frame from leucine 1493.
Molecular consequence: frameshift variant.
Genome position (GRCh38, 1-based): chr6:43,038,657, C deleted on the plus strand (G on the coding strand, the reverse complement: CUL7 is on the minus strand); the first of 3 consecutive C bases (chr6:43,038,657-43,038,659); deleting any one gives the same sequence. VCF-style (leftmost placement, unchanged base first): chr6-43038656-GC-G. GRCh37 (hg19) VCF-style: chr6-43006394-GC-G.
Other names: c.4476delG (NM_014780.4); c.4572del, p.Leu1525fs (NM_001168370.2, NM_001374872.1); c.4476del, p.Leu1493fs (NM_001374873.1); c.4473del, p.Leu1492fs (NM_001374874.1); short protein forms L1493fs, L1492fs, L1525fs.
Identifiers: ClinVar variation 450652 (VCV000450652.2), dbSNP rs1554135458, ClinGen allele CA658657595.
Genomic context (GRCh38, chr6:43,038,656, plus strand): 5'-CCAGGGGGCCTCTTGAAGAGGTGAGGGGCCCAATCGCCTGATTGAGCATGTCTGCGGAGA[GC>G]CCTGAGAACGCCAGCAGACTCTCCACAGAGACCGCCTTCAGAGAACAGATGGGAGACATT-3'

ClinVar aggregate classification (germline): Pathogenic (1 of 4 stars; one submission).

Submission:

GeneDx
Classification: Pathogenic. Last evaluated: 2017-07-19. Review status: criteria provided, single submitter. Criteria: GeneDx Variant Classification (06012015). Collection method: clinical testing. Allele origin: germline. Affected: yes.
Comment: The c.4476delG variant in the CUL7 gene has not been reported previously as a pathogenic variant nor as a benign variant, to our knowledge. This variant causes a frameshift starting with codon Leucine 1493, changes this amino acid to a Serine residue, and creates a premature Stop codon at position 75 of the new reading frame, denoted p.Leu1493SerfsX75. This variant is predicted to cause loss of normal protein function either through protein truncation or nonsense-mediated mRNA decay. The c.4476delG variant is not observed in large population cohorts (Lek et al., 2016; 1000 Genomes Consortium et al., 2015; Exome Variant Server). We interpret c.4476delG as a pathogenic variant.